The following is an entry in ClinVar:

NM_000138.5(FBN1):c.1015G>C (p.Ala339Pro)

Genes: FBN1 (fibrillin 1; minus strand), LOC113939944 (Sharpr-MPRA regulatory region 9539; plus strand). Cytogenetic location: 15q21.1.
Variant type: single nucleotide variant.
Coding change: c.1015G>C on transcript NM_000138.5 (MANE Select); coding-DNA position 1015, G replaced by C.
Protein change: p.Ala339Pro; replaces alanine 339 with proline.
Molecular consequence: missense variant.
Genome position (GRCh38, 1-based): chr15:48,520,791, C>G on the plus strand (G>C on the coding strand, the complement: FBN1 is on the minus strand). VCF-style: chr15-48520791-C-G. GRCh37 (hg19) VCF-style: chr15-48812988-C-G.
Other names: c.1015G>C, p.Ala339Pro (NM_001406716.1); short protein forms A339P.
Identifiers: ClinVar variation 3386859 (VCV003386859.1).

ClinVar aggregate classification (germline): Uncertain significance (1 of 4 stars; one submission).

Conditions:
Marfan syndrome (MFS). Also called: MARFAN SYNDROME, TYPE I; Marfan syndrome type 1; Marfan's syndrome; FBN1-Related Marfan Syndrome; Marfan syndrome, classic. Identifiers: Orphanet 284963, Orphanet 558, MedGen C0024796, MONDO:0007947, OMIM 154700.

gnomAD v4.1: 1 of 1,614,176 alleles (0.000062%); highest among the groups gnomAD compares: Non-Finnish European, 0.000085%; no homozygotes.

Submission:

All of Us Research Program, National Institutes of Health
Classification: Uncertain significance for Marfan syndrome. Last evaluated: 2024-05-14. Review status: criteria provided, single submitter. Criteria: ACMG Guidelines, 2015. Collection method: clinical testing. Allele origin: germline. Inheritance: Autosomal dominant inheritance. Observed: 1 variant allele, 1 heterozygote.
Comment: This missense variant replaces alanine with proline at codon 339 of the FBN1 protein. Computational prediction suggests that this variant may not impact protein structure and function (internally defined REVEL score threshold <= 0.5, PMID: 27666373). To our knowledge, functional studies have not been reported for this variant. This variant has not been reported in individuals affected with FBN1-related disorders in the literature. This variant has not been identified in the general population by the Genome Aggregation Database (gnomAD). The available evidence is insufficient to determine the role of this variant in disease conclusively. Therefore, this variant is classified as a Variant of Uncertain Significance.

This study involves interpretation of variants in research participants for the purpose of population health screening. Participant phenotype was not available at the time of variant classification. Additional details can be found in publication PMID: 35346344, PMCID: PMC8962531